The following is an entry in ClinVar:

NM_003640.5(ELP1):c.3599C>T (p.Ala1200Val)

Gene: ELP1 (elongator acetyltransferase complex subunit 1; minus strand). Cytogenetic location: 9q31.3.
Variant type: single nucleotide variant.
Coding change: c.3599C>T on transcript NM_003640.5 (MANE Select); coding-DNA position 3599, C replaced by T.
Protein change: p.Ala1200Val; replaces alanine 1200 with valine.
Molecular consequence: missense variant.
Genome position (GRCh38, 1-based): chr9:108,878,724, G>A on the plus strand (C>T on the coding strand, the complement: ELP1 is on the minus strand). VCF-style: chr9-108878724-G-A. GRCh37 (hg19) VCF-style: chr9-111641004-G-A.
Other names: c.3257C>T, p.Ala1086Val (NM_001318360.2); c.2552C>T, p.Ala851Val (NM_001330749.2); short protein forms A1086V, A1200V, A851V.
Identifiers: ClinVar variation 1800242 (VCV001800242.6), dbSNP rs776976107, ClinGen allele CA5174233.

ClinVar aggregate classification (germline): Uncertain significance. Review status: criteria provided, multiple submitters, no conflicts (2 of 4 stars). 2 submissions from 2 submitters: Uncertain significance (2). Last evaluated 2025-12-24.

Allele frequency attached by ClinVar (database versions not stated): ExAC 0.00002; gnomAD exomes 0.00002; TOPMed 0.00002; gnomAD 0.00003.
gnomAD v4.1: 41 of 1,614,012 alleles (0.0025%); highest among the groups gnomAD compares: East Asian, 0.0089%; no homozygotes.

Submissions (2):

Labcorp Genetics (formerly Invitae), Labcorp
Classification: Uncertain significance. Last evaluated: 2025-12-24. Review status: criteria provided, single submitter. Criteria: Invitae Variant Classification Sherloc (09022015). Collection method: clinical testing. Allele origin: germline.
Comment: This sequence change replaces alanine, which is neutral and non-polar, with valine, which is neutral and non-polar, at codon 1200 of the ELP1 protein (p.Ala1200Val). This variant is present in population databases (rs776976107, gnomAD 0.01%). This variant has not been reported in the literature in individuals affected with ELP1-related conditions. ClinVar contains an entry for this variant (Variation ID: 1800242). Invitae Evidence Modeling of protein sequence and biophysical properties (such as structural, functional, and spatial information, amino acid conservation, physicochemical variation, residue mobility, and thermodynamic stability) indicates that this missense variant is expected to disrupt ELP1 protein function with a positive predictive value of 80%. In summary, the available evidence is currently insufficient to determine the role of this variant in disease. Therefore, it has been classified as a Variant of Uncertain Significance.

Ambry Genetics
Classification: Uncertain significance. Last evaluated: 2024-08-27. Review status: criteria provided, single submitter. Criteria: Ambry Variant Classification Scheme 2023. Collection method: clinical testing. Allele origin: germline.